The following is an entry in ClinVar:

NM_001849.4(COL6A2):c.124G>T (p.Asp42Tyr)

Gene: COL6A2 (collagen type VI alpha 2 chain; plus strand). Cytogenetic location: 21q22.3.
Variant type: single nucleotide variant.
Coding change: c.124G>T on transcript NM_001849.4 (MANE Select); coding-DNA position 124, G replaced by T.
Protein change: p.Asp42Tyr; replaces aspartic acid 42 with tyrosine.
Molecular consequence: missense variant.
Genome position (GRCh38, 1-based): chr21:46,111,987, G>T. VCF-style: chr21-46111987-G-T. GRCh37 (hg19) VCF-style: chr21-47531901-G-T.
Other names: c.124G>T, p.Asp42Tyr (NM_058174.3, NM_058175.3); short protein forms D42Y.
Identifiers: ClinVar variation 2413536 (VCV002413536.9), dbSNP rs754269869, ClinGen allele CA410519942.

ClinVar aggregate classification (germline): Uncertain significance. Review status: criteria provided, multiple submitters, no conflicts (2 of 4 stars). 2 submissions from 2 submitters: Uncertain significance (2). Last evaluated 2023-06-30.

Conditions:
Bethlem myopathy 1A. Also called: Bethlem Muscular Dystrophy; MYOPATHY, BENIGN CONGENITAL, WITH CONTRACTURES; Bethlem myopathy 1. Identifiers: Orphanet 610, MedGen CN029274, MONDO:0024530, OMIM 158810.

gnomAD v4.1: 1 of 1,611,852 alleles (0.000062%); highest among the groups gnomAD compares: Non-Finnish European, 0.000085%; no homozygotes.

Submissions (2):

GeneDx
Classification: Uncertain significance. Last evaluated: 2023-06-30. Review status: criteria provided, single submitter. Criteria: GeneDx Variant Classification Process June 2021. Collection method: clinical testing. Allele origin: germline. Affected: yes.
Comment: Not observed at significant frequency in large population cohorts (gnomAD); In silico analysis supports that this missense variant has a deleterious effect on protein structure/function; Has not been previously published as pathogenic or benign to our knowledge

Labcorp Genetics (formerly Invitae), Labcorp
Classification: Uncertain significance for Bethlem myopathy 1A. Last evaluated: 2022-03-17. Review status: criteria provided, single submitter. Criteria: Invitae Variant Classification Sherloc (09022015). Collection method: clinical testing. Allele origin: germline.
Comment: This sequence change replaces aspartic acid, which is acidic and polar, with tyrosine, which is neutral and polar, at codon 42 of the COL6A2 protein (p.Asp42Tyr). This variant is not present in population databases (gnomAD no frequency). This variant has not been reported in the literature in individuals affected with COL6A2-related conditions. Advanced modeling of protein sequence and biophysical properties (such as structural, functional, and spatial information, amino acid conservation, physicochemical variation, residue mobility, and thermodynamic stability) performed at Invitae indicates that this missense variant is not expected to disrupt COL6A2 protein function. In summary, the available evidence is currently insufficient to determine the role of this variant in disease. Therefore, it has been classified as a Variant of Uncertain Significance.